The following is an entry in ClinVar:

ClinVar aggregate classification (germline): Uncertain significance (1 of 4 stars; one submission).

Allele frequency attached by ClinVar (database versions not stated): gnomAD exomes below 0.00001.

Submission:

Labcorp Genetics (formerly Invitae), Labcorp
Classification: Uncertain significance. Last evaluated: 2023-03-07. Review status: criteria provided, single submitter. Criteria: Invitae Variant Classification Sherloc (09022015). Collection method: clinical testing. Allele origin: germline.
Comment: In summary, the available evidence is currently insufficient to determine the role of this variant in disease. Therefore, it has been classified as a Variant of Uncertain Significance. Algorithms developed to predict the effect of missense changes on protein structure and function output the following: SIFT: "Not Available"; PolyPhen-2: "Benign"; Align-GVGD: "Not Available". The proline amino acid residue is found in multiple mammalian species, which suggests that this missense change does not adversely affect protein function. This variant has not been reported in the literature in individuals affected with REST-related conditions. This variant is not present in population databases (gnomAD no frequency). This sequence change replaces leucine, which is neutral and non-polar, with proline, which is neutral and non-polar, at codon 682 of the REST protein (p.Leu682Pro).

NM_005612.5(REST):c.2045T>C (p.Leu682Pro)

Gene: REST (RE1 silencing transcription factor; plus strand). Cytogenetic location: 4q12.
Variant type: single nucleotide variant.
Coding change: c.2045T>C on transcript NM_005612.5 (MANE Select); coding-DNA position 2045, T replaced by C.
Protein change: p.Leu682Pro; replaces leucine 682 with proline.
Molecular consequence: missense variant.
Genome position (GRCh38, 1-based): chr4:56,930,903, T>C. VCF-style: chr4-56930903-T-C. GRCh37 (hg19) VCF-style: chr4-57797069-T-C.
Other names: c.2045T>C, p.Leu682Pro (NM_001193508.2, NM_001363453.3); short protein forms L682P.
Identifiers: ClinVar variation 3015734 (VCV003015734.3), dbSNP rs2109575741, ClinGen allele CA357007962.
Genomic context (GRCh38, chr4:56,930,903, plus strand): 5'-CTCAGAAGGAGCTGCTGCCTCCCGTGGAGCCTGCTCAGATGGTGGGTGCCCAAATTGTAC[T>C]TGCTCACATGGAGCTGCCTCCTCCCATGGAGACTGCTCAGACGGAGGTTGCCCAAATGGG-3'
Protein context (NP_005603.3, residues 672-692): PAQMVGAQIV[Leu682Pro]AHMELPPPME